The following is an entry in ClinVar:

NM_001283009.2(RTEL1):c.2393G>T (p.Ser798Ile)

Genes: RTEL1 (regulator of telomere elongation helicase 1; plus strand), RTEL1-TNFRSF6B (RTEL1-TNFRSF6B readthrough (NMD candidate); plus strand). Cytogenetic location: 20q13.33.
Variant type: single nucleotide variant.
Coding change: c.2393G>T on transcript NM_001283009.2 (MANE Select); coding-DNA position 2393, G replaced by T.
Protein change: p.Ser798Ile; replaces serine 798 with isoleucine.
Molecular consequence: missense variant. On other transcripts: non-coding transcript variant (1).
Genome position (GRCh38, 1-based): chr20:63,690,421, G>T. VCF-style: chr20-63690421-G-T. GRCh37 (hg19) VCF-style: chr20-62321774-G-T.
Other names: c.1724G>T, p.Ser575Ile (NM_001283010.1); c.2393G>T, p.Ser798Ile (NM_016434.4); c.2465G>T, p.Ser822Ile (NM_032957.5); short protein forms S575I, S798I, S822I.
Identifiers: ClinVar variation 3761794 (VCV003761794.3).

ClinVar aggregate classification (germline): Uncertain significance. Review status: criteria provided, multiple submitters, no conflicts (2 of 4 stars). 2 submissions from 2 submitters: Uncertain significance (2). Last evaluated 2026-06-20.

Conditions:
Inborn genetic diseases. Identifiers: MedGen C0950123, MeSH D030342.
Dyskeratosis congenita, autosomal recessive 5 (DKCB5). Identifiers: MedGen C3554656, MONDO:0014076, OMIM 615190.
Pulmonary fibrosis and/or bone marrow failure, Telomere-related, 3. Also called: PULMONARY FIBROSIS AND/OR BONE MARROW FAILURE SYNDROME, TELOMERE-RELATED, 3. Identifiers: Orphanet 2032, MedGen C4225346, MONDO:0014613, OMIM 616373.

Submissions (2):

Ambry Genetics
Classification: Uncertain significance for Inborn genetic diseases. Last evaluated: 2026-06-20. Review status: criteria provided, single submitter. Criteria: Ambry Variant Classification Scheme 2023. Collection method: clinical testing. Allele origin: germline.
Comment: The p.S798I variant (also known as c.2393G>T), located in coding exon 25 of the RTEL1 gene, results from a G to T substitution at nucleotide position 2393. The serine at codon 798 is replaced by isoleucine, an amino acid with dissimilar properties. This amino acid position is conserved. In addition, this alteration is predicted to be tolerated by in silico analysis. Based on the available evidence, the clinical significance of this variant remains unclear.

Labcorp Genetics (formerly Invitae), Labcorp
Classification: Uncertain significance for Dyskeratosis congenita, autosomal recessive 5; Pulmonary fibrosis and/or bone marrow failure, Telomere-related, 3. Last evaluated: 2024-04-25. Review status: criteria provided, single submitter. Criteria: Invitae Variant Classification Sherloc (09022015). Collection method: clinical testing. Allele origin: germline.
Comment: This sequence change replaces serine, which is neutral and polar, with isoleucine, which is neutral and non-polar, at codon 798 of the RTEL1 protein (p.Ser798Ile). This variant is not present in population databases (gnomAD no frequency). This variant has not been reported in the literature in individuals affected with RTEL1-related conditions. An algorithm developed to predict the effect of missense changes on protein structure and function (PolyPhen-2) suggests that this variant is likely to be disruptive. In summary, the available evidence is currently insufficient to determine the role of this variant in disease. Therefore, it has been classified as a Variant of Uncertain Significance.